The following is an entry in ClinVar:

ClinVar aggregate classification (germline): Pathogenic (1 of 4 stars; one submission).

Conditions:
Familial thoracic aortic aneurysm and aortic dissection (TAAD). Also called: Thoracic aortic aneurysms and dissections. Identifiers: Orphanet 91387, MedGen C4707243, MONDO:0019625.

Submission:

Labcorp Genetics (formerly Invitae), Labcorp
Classification: Pathogenic for Familial thoracic aortic aneurysm and aortic dissection. Last evaluated: 2025-11-18. Review status: criteria provided, single submitter. Criteria: Invitae Variant Classification Sherloc (09022015). Collection method: clinical testing. Allele origin: germline.
Comment: This sequence change creates a premature translational stop signal (p.Gln47*) in the SMAD3 gene. It is expected to result in an absent or disrupted protein product. Loss-of-function variants in SMAD3 are known to be pathogenic (PMID: 21778426, 24804794). This variant is not present in population databases (gnomAD no frequency). This variant has not been reported in the literature in individuals affected with SMAD3-related conditions. For these reasons, this variant has been classified as Pathogenic.

Literature cited by the submitters: PubMed 21778426; PubMed 24804794.

NM_005902.4(SMAD3):c.139C>T (p.Gln47Ter)

Gene: SMAD3 (SMAD family member 3; plus strand). Cytogenetic location: 15q22.33.
Variant type: single nucleotide variant.
Coding change: c.139C>T on transcript NM_005902.4 (MANE Select); coding-DNA position 139, C replaced by T.
Protein change: p.Gln47Ter; replaces glutamine 47 with a stop codon.
Molecular consequence: nonsense.
Genome position (GRCh38, 1-based): chr15:67,066,293, C>T. VCF-style: chr15-67066293-C-T. GRCh37 (hg19) VCF-style: chr15-67358631-C-T.
Other names: c.139C>T, p.Gln47Ter (NM_001407011.1, NM_001407012.1, NM_001407013.1); short protein forms Q47*.
Identifiers: ClinVar variation 4764281 (VCV004764281.1).
Genomic context (GRCh38, chr15:67,066,293, plus strand): 5'-GAGGAGAAATGGTGCGAGAAGGCGGTCAAGAGCCTGGTCAAGAAACTCAAGAAGACGGGG[C>T]AGCTGGACGAGCTGGAGAAGGCCATCACCACGCAGAACGTCAACACCAAGTGCATCACCA-3'